The following is an entry in ClinVar:

ClinVar aggregate classification (germline): Uncertain significance. Review status: criteria provided, multiple submitters, no conflicts (2 of 4 stars). 3 submissions from 3 submitters: Uncertain significance (3). Last evaluated 2025-06-23.

Conditions:
Brody myopathy. Also called: BRODY DISEASE. Identifiers: Orphanet 53347, MedGen C1832918, MONDO:0010977, OMIM 601003.

Allele frequency attached by ClinVar (database versions not stated): ExAC 0.00002; TOPMed 0.00003; gnomAD exomes 0.00005.
gnomAD v4.1: 126 of 1,613,942 alleles (0.0078%); highest among the groups gnomAD compares: Admixed American, 0.01%; no homozygotes.

Submissions (3):

Labcorp Genetics (formerly Invitae), Labcorp
Classification: Uncertain significance for Brody myopathy. Last evaluated: 2025-06-23. Review status: criteria provided, single submitter. Criteria: Invitae Variant Classification Sherloc (09022015). Collection method: clinical testing. Allele origin: germline.
Comment: This sequence change replaces leucine, which is neutral and non-polar, with proline, which is neutral and non-polar, at codon 814 of the ATP2A1 protein (p.Leu814Pro). This variant is present in population databases (rs746484055, gnomAD 0.01%). This missense change has been observed in individual(s) with Brody myopathy (PMID: 32040565). ClinVar contains an entry for this variant (Variation ID: 860003). An algorithm developed to predict the effect of missense changes on protein structure and function (PolyPhen-2) suggests that this variant is likely to be disruptive. In summary, the available evidence is currently insufficient to determine the role of this variant in disease. Therefore, it has been classified as a Variant of Uncertain Significance.

Revvity Omics, Revvity
Classification: Uncertain significance for Brody myopathy. Last evaluated: 2023-06-08. Review status: criteria provided, single submitter. Criteria: ACMG Guidelines, 2015. Collection method: clinical testing. Allele origin: germline.

Molecular Genetics, Royal Melbourne Hospital
Classification: Uncertain significance for Brody myopathy. Last evaluated: 2023-03-30. Review status: criteria provided, single submitter. Criteria: ACMG Guidelines, 2015. Collection method: clinical testing. Allele origin: germline. Affected: yes.
Comment: This sequence change is predicted to replace leucine with proline at codon 814 of the ATP2A1 protein (p.(Leu814Pro)). The leucine residue is evolutionarily conserved (100 vertebrates, UCSC), and is located in the C-terminus cation transporting ATPase domain. There is a moderate physicochemical difference between leucine and proline. The variant is present in a large population cohort at a frequency of 0.005%, which is consistent with recessive disease (15/282,564 alleles, 0 homozygotes in gnomAD v2.1). It has been reported compound heterozygous with a second likely pathogenic allele in an individual with Brody myopathy that experienced an episode of exertional rhabdomyolysis (PMID: 32040565). Multiple lines of computational evidence have conflicting predictions for the missense substitution (3/6 algorithms predict deleterious). Based on the classification scheme RMH Modified ACMG Guidelines v1.3.1, this variant is classified as a VARIANT OF UNCERTAIN SIGNIFICANCE. Following criteria are met: PM3, PM2_Supporting.

Literature cited by the submitters: PubMed 32040565 (cited by Labcorp Genetics (formerly Invitae), Labcorp and Molecular Genetics, Royal Melbourne Hospital).

NM_004320.6(ATP2A1):c.2441T>C (p.Leu814Pro)

Gene: ATP2A1 (ATPase sarcoplasmic/endoplasmic reticulum Ca2+ transporting 1; plus strand). Cytogenetic location: 16p11.2.
Variant type: single nucleotide variant.
Coding change: c.2441T>C on transcript NM_004320.6 (MANE Select); coding-DNA position 2441, T replaced by C.
Protein change: p.Leu814Pro; replaces leucine 814 with proline.
Molecular consequence: missense variant.
Genome position (GRCh38, 1-based): chr16:28,902,303, T>C. VCF-style: chr16-28902303-T-C. GRCh37 (hg19) VCF-style: chr16-28913624-T-C.
Other names: c.2441T>C (NM_173201.4); c.2066T>C, p.Leu689Pro (NM_001286075.2); c.2441T>C, p.Leu814Pro (NM_173201.5); short protein forms L814P, L689P.
Identifiers: ClinVar variation 860003 (VCV000860003.10), dbSNP rs746484055, ClinGen allele CA7987259.